The following is an entry in ClinVar:

NM_182760.4(SUMF1):c.247G>T (p.Glu83Ter)

Genes: SUMF1 (sulfatase modifying factor 1; minus strand), LOC129936056 (ATAC-STARR-seq lymphoblastoid silent region 14016; plus strand). Cytogenetic location: 3p26.1.
Variant type: single nucleotide variant.
Coding change: c.247G>T on transcript NM_182760.4 (MANE Select); coding-DNA position 247, G replaced by T.
Protein change: p.Glu83Ter; replaces glutamic acid 83 with a stop codon.
Molecular consequence: nonsense.
Genome position (GRCh38, 1-based): chr3:4,466,999, C>A on the plus strand (G>T on the coding strand, the complement: SUMF1 is on the minus strand). VCF-style: chr3-4466999-C-A. GRCh37 (hg19) VCF-style: chr3-4508683-C-A.
Other names: c.247G>T, p.Glu83Ter (NM_001164674.2, NM_001164675.2); short protein forms E83*.
Identifiers: ClinVar variation 2700697 (VCV002700697.3), dbSNP rs2470078244, ClinGen allele CA351794127.

ClinVar aggregate classification (germline): Pathogenic (1 of 4 stars; one submission).

Conditions:
Multiple sulfatase deficiency (MSD). Also called: Mucosulfatidosis; Multiple Sulfatase Deficiency Disease; Sulfatidosis, Juvenile, Austin Type. Identifiers: Orphanet 585, MedGen C0268263, MONDO:0010088, OMIM 272200.

Submission:

Labcorp Genetics (formerly Invitae), Labcorp
Classification: Pathogenic for Multiple sulfatase deficiency. Last evaluated: 2023-12-03. Review status: criteria provided, single submitter. Criteria: Invitae Variant Classification Sherloc (09022015). Collection method: clinical testing. Allele origin: germline.
Comment: This sequence change creates a premature translational stop signal (p.Glu83*) in the SUMF1 gene. It is expected to result in an absent or disrupted protein product. Loss-of-function variants in SUMF1 are known to be pathogenic (PMID: 12757705, 12757706, 25885655). This variant is not present in population databases (gnomAD no frequency). This variant has not been reported in the literature in individuals affected with SUMF1-related conditions. For these reasons, this variant has been classified as Pathogenic.

Literature cited by the submitters: PubMed 12757705; PubMed 12757706; PubMed 25885655.